The following is an entry in ClinVar:

NM_003921.5(BCL10):c.370C>G (p.Pro124Ala)

Gene: BCL10 (BCL10 immune signaling adaptor; minus strand). Cytogenetic location: 1p22.3.
Variant type: single nucleotide variant.
Coding change: c.370C>G on transcript NM_003921.5 (MANE Select); coding-DNA position 370, C replaced by G.
Protein change: p.Pro124Ala; replaces proline 124 with alanine.
Molecular consequence: missense variant. On other transcripts: intron variant (1).
Genome position (GRCh38, 1-based): chr1:85,267,959, G>C on the plus strand (C>G on the coding strand, the complement: BCL10 is on the minus strand). VCF-style: chr1-85267959-G-C. GRCh37 (hg19) VCF-style: chr1-85733642-G-C.
Other names: c.370C>G, p.Pro124Ala (LRG_1210t1); c.347-10C>G (NM_001320715.2); short protein forms P124A.
Identifiers: ClinVar variation 644239 (VCV000644239.1), dbSNP rs1250409831, ClinGen allele CA340949603.

ClinVar aggregate classification (germline): Uncertain significance (1 of 4 stars; one submission).

Conditions:
Immunodeficiency 37 (IMD37). Identifiers: MedGen C4015195, MONDO:0014491, OMIM 616098.

gnomAD v4.1: 1 of 1,577,280 alleles (0.000063%); no homozygotes.

Submission:

Labcorp Genetics (formerly Invitae), Labcorp
Classification: Uncertain significance for Immunodeficiency 37. Last evaluated: 2018-12-25. Review status: criteria provided, single submitter. Criteria: Invitae Variant Classification Sherloc (09022015). Collection method: clinical testing. Allele origin: germline.
Comment: This sequence change replaces proline with alanine at codon 124 of the BCL10 protein (p.Pro124Ala). The proline residue is moderately conserved and there is a small physicochemical difference between proline and alanine. This variant is not present in population databases (ExAC no frequency). This variant has not been reported in the literature in individuals with BCL10-related conditions. Algorithms developed to predict the effect of missense changes on protein structure and function (SIFT, PolyPhen-2, Align-GVGD) all suggest that this variant is likely to be tolerated, but these predictions have not been confirmed by published functional studies and their clinical significance is uncertain. In summary, the available evidence is currently insufficient to determine the role of this variant in disease. Therefore, it has been classified as a Variant of Uncertain Significance.